The following is an entry in ClinVar:

ClinVar aggregate classification (germline): Conflicting classifications of pathogenicity. Review status: criteria provided, conflicting classifications (1 of 4 stars). 7 submissions from 7 submitters: Pathogenic (2); Likely pathogenic (2); Uncertain significance (1). 2 of the submissions do not count toward it. Last evaluated 2025-09-16.

Conditions:
Wilson disease (WND). Also called: Wilson's disease. Identifiers: Orphanet 905, MedGen C0019202, MONDO:0010200, OMIM 277900. Disease mechanism: loss of function.

Submissions (7):

Color Diagnostics, LLC DBA Color Health
Classification: Likely pathogenic for Wilson disease. Last evaluated: 2025-09-16. Review status: criteria provided, single submitter. Criteria: ACMG Guidelines, 2015. Collection method: clinical testing. Allele origin: germline.
Comment: This missense variant replaces aspartic acid with asparagine at codon 918 in a transmembrane domain of the ATP7B protein, a highly conserved region that is considered to be important for ATP7B protein function (PMID: 35245129ClinVar). Computational prediction is inconclusive regarding the impact of this variant on protein structure and function. To our knowledge, functional studies have not been reported for this variant. This variant has been observed in individuals affected with autosomal recessive Wilson disease (PMID: 9671269, 20958917, 24932333, 30230192, 33879678, 34400371), including several cases where this variant was confirmed to be in homozygosity or in compound heterozygosity with a second pathogenic variant. This variant has not been identified in the general population by the Genome Aggregation Database (gnomAD). Based on the available evidence, this variant is classified as Likely Pathogenic.

Labcorp Genetics (formerly Invitae), Labcorp
Classification: Pathogenic for Wilson disease. Last evaluated: 2025-06-11. Review status: criteria provided, single submitter. Criteria: Invitae Variant Classification Sherloc (09022015). Collection method: clinical testing. Allele origin: germline.
Comment: This sequence change replaces aspartic acid, which is acidic and polar, with asparagine, which is neutral and polar, at codon 918 of the ATP7B protein (p.Asp918Asn). This variant is not present in population databases (gnomAD no frequency). This missense change has been observed in individuals with Wilson disease (PMID: 9671269, 15967699, 20958917, 24932333, 30230192). ClinVar contains an entry for this variant (Variation ID: 552229). Invitae Evidence Modeling of protein sequence and biophysical properties (such as structural, functional, and spatial information, amino acid conservation, physicochemical variation, residue mobility, and thermodynamic stability) indicates that this missense variant is expected to disrupt ATP7B protein function with a positive predictive value of 80%. For these reasons, this variant has been classified as Pathogenic.

CeGaT Center for Human Genetics Tuebingen
Classification: Pathogenic. Last evaluated: 2025-02-01. Review status: criteria provided, single submitter. Criteria: CeGaT Center For Human Genetics Tuebingen Variant Classification Criteria Version 2. Collection method: clinical testing. Allele origin: germline. Affected: yes. Observed: 1 variant allele.
Comment: ATP7B: PM3:Strong, PM2, PP4:Moderate, PM5:Supporting, PP3

Baylor Genetics
Classification: Likely pathogenic for Wilson disease. Last evaluated: 2024-02-28. Review status: criteria provided, single submitter. Criteria: ACMG Guidelines, 2015. Collection method: clinical testing. Allele origin: unknown.

Genome-Nilou Lab
Classification: Uncertain significance for Wilson disease. Last evaluated: 2021-08-10. Review status: criteria provided, single submitter. Criteria: ACMG Guidelines, 2015. Collection method: clinical testing. Allele origin: germline. Affected: no.

Natera, Inc.
Classification: Uncertain significance for Wilson disease. Last evaluated: 2020-09-16. Review status: no assertion criteria provided. Collection method: clinical testing. Allele origin: germline. Not counted in ClinVar's aggregate classification.

Counsyl
Classification: Likely pathogenic for Wilson disease. Last evaluated: 2017-05-31. Review status: no assertion criteria provided. Collection method: clinical testing. Allele origin: unknown. Not counted in ClinVar's aggregate classification.

Literature cited by the submitters: PubMed 9671269 (cited by 3 submitters); PubMed 20958917 (cited by 3 submitters); PubMed 24932333 (cited by 3 submitters); PubMed 30230192 (cited by Color Diagnostics, LLC DBA Color Health and Labcorp Genetics (formerly Invitae), Labcorp); PubMed 33879678 (cited by Color Diagnostics, LLC DBA Color Health); PubMed 34400371 (cited by Color Diagnostics, LLC DBA Color Health); PubMed 35245129 (cited by Color Diagnostics, LLC DBA Color Health); PubMed 15967699 (cited by Labcorp Genetics (formerly Invitae), Labcorp); PubMed 24253677 (cited by Counsyl); PubMed 22692182 (cited by Counsyl).

NM_000053.4(ATP7B):c.2752G>A (p.Asp918Asn)

Gene: ATP7B (ATPase copper transporting beta; minus strand). Cytogenetic location: 13q14.3.
Variant type: single nucleotide variant.
Coding change: c.2752G>A on transcript NM_000053.4 (MANE Select); coding-DNA position 2752, G replaced by A.
Protein change: p.Asp918Asn; replaces aspartic acid 918 with asparagine.
Molecular consequence: missense variant. On other transcripts: intron variant (1).
Genome position (GRCh38, 1-based): chr13:51,949,775, C>T on the plus strand (G>A on the coding strand, the complement: ATP7B is on the minus strand). VCF-style: chr13-51949775-C-T. GRCh37 (hg19) VCF-style: chr13-52523911-C-T.
Other names: c.2419G>A, p.Asp807Asn (NM_001243182.2); c.2518G>A, p.Asp840Asn (NM_001330578.2); c.2500G>A, p.Asp834Asn (NM_001330579.2); c.2244+232G>A (NM_001005918.3); short protein forms D918N, D807N, D834N, D840N.
Identifiers: ClinVar variation 552229 (VCV000552229.30), dbSNP rs540935874, ClinGen allele CA250084943.